The following is an entry in ClinVar:

ClinVar aggregate classification (germline): Likely pathogenic (1 of 4 stars; one submission).

Allele frequency attached by ClinVar (database versions not stated): gnomAD exomes below 0.00001.
gnomAD v4.1: 1 of 1,495,336 alleles (0.000067%); highest among the groups gnomAD compares: Non-Finnish European, 0.000089%; no homozygotes.

Submission:

Labcorp Genetics (formerly Invitae), Labcorp
Classification: Likely pathogenic. Last evaluated: 2025-11-24. Review status: criteria provided, single submitter. Criteria: Invitae Variant Classification Sherloc (09022015). Collection method: clinical testing. Allele origin: germline.
Comment: This sequence change affects a donor splice site in intron 3 of the COL18A1 gene. It is expected to disrupt RNA splicing. Variants that disrupt the donor or acceptor splice site typically lead to a loss of protein function (PMID: 16199547), and loss-of-function variants in COL18A1 are known to be pathogenic (PMID: 12415512, 25456301). This variant is not present in population databases (gnomAD no frequency). This variant has not been reported in the literature in individuals affected with COL18A1-related conditions. ClinVar contains an entry for this variant (Variation ID: 1995061). Algorithms developed to predict the effect of sequence changes on RNA splicing suggest that this variant may disrupt the consensus splice site. In summary, the currently available evidence indicates that the variant is pathogenic, but additional data are needed to prove that conclusively. Therefore, this variant has been classified as Likely Pathogenic.

Literature cited by the submitters: PubMed 16199547; PubMed 12415512; PubMed 25456301.

NM_001379500.1(COL18A1):c.651+2T>C

Gene: COL18A1 (collagen type XVIII alpha 1 chain; plus strand). Cytogenetic location: 21q22.3.
Variant type: single nucleotide variant.
Coding change: c.651+2T>C on transcript NM_001379500.1 (MANE Select); the canonical splice donor site of the intron after coding-DNA position 651, T replaced by C.
Molecular consequence: splice donor variant.
Genome position (GRCh38, 1-based): chr21:45,468,788, T>C. VCF-style: chr21-45468788-T-C. GRCh37 (hg19) VCF-style: chr21-46888702-T-C.
Other names: c.1896+2T>C (NM_130444.3); c.1191+2T>C (NM_030582.4).
Identifiers: ClinVar variation 1995061 (VCV001995061.4), dbSNP rs750070668, ClinGen allele CA10065811.